The following is an entry in ClinVar:

NM_021020.5(LZTS1):c.1765G>A (p.Glu589Lys)

Gene: LZTS1 (leucine zipper tumor suppressor 1; minus strand). Cytogenetic location: 8p21.3.
Variant type: single nucleotide variant.
Coding change: c.1765G>A on transcript NM_021020.5 (MANE Select); coding-DNA position 1765, G replaced by A.
Protein change: p.Glu589Lys; replaces glutamic acid 589 with lysine.
Molecular consequence: missense variant.
Genome position (GRCh38, 1-based): chr8:20,249,748, C>T on the plus strand (G>A on the coding strand, the complement: LZTS1 is on the minus strand). VCF-style: chr8-20249748-C-T. GRCh37 (hg19) VCF-style: chr8-20107259-C-T.
Other names: c.1765G>A, p.Glu589Lys (NM_001362884.2); c.1765G>A (NM_021020.3); short protein forms E589K.
Identifiers: ClinVar variation 3718421 (VCV003718421.3).

ClinVar aggregate classification (germline): Uncertain significance. Review status: criteria provided, multiple submitters, no conflicts (2 of 4 stars). 2 submissions from 2 submitters: Uncertain significance (2). Last evaluated 2025-05-09.

Conditions:
LZTS1-related disorder. Also called: LZTS1-related condition.

Submissions (2):

PreventionGenetics, part of Exact Sciences
Classification: Uncertain significance for LZTS1-related condition. Last evaluated: 2025-05-09. Review status: criteria provided, single submitter. Criteria: ACMG Guidelines, 2015. Collection method: clinical testing. Allele origin: germline.
Comment: The LZTS1 c.1765G>A variant is predicted to result in the amino acid substitution p.Glu589Lys. To our knowledge, this variant has not been reported in the literature. This variant is reported in 0.020% of alleles in individuals of East Asian descent in gnomAD. At this time, the clinical significance of this variant is uncertain due to the absence of conclusive functional and genetic evidence.

Labcorp Genetics (formerly Invitae), Labcorp
Classification: Uncertain significance. Last evaluated: 2025-01-07. Review status: criteria provided, single submitter. Criteria: Invitae Variant Classification Sherloc (09022015). Collection method: clinical testing. Allele origin: germline.
Comment: This sequence change replaces glutamic acid, which is acidic and polar, with lysine, which is basic and polar, at codon 589 of the LZTS1 protein (p.Glu589Lys). This variant is present in population databases (no rsID available, gnomAD 0.02%). This variant has not been reported in the literature in individuals affected with LZTS1-related conditions. An algorithm developed to predict the effect of missense changes on protein structure and function (PolyPhen-2) suggests that this variant is likely to be disruptive. In summary, the available evidence is currently insufficient to determine the role of this variant in disease. Therefore, it has been classified as a Variant of Uncertain Significance.